The following is an entry in ClinVar:

NM_000059.4(BRCA2):c.750_771del (p.Thr251fs)

Gene: BRCA2 (BRCA2 DNA repair associated; plus strand). Cytogenetic location: 13q13.1.
Variant type: Deletion.
Coding change: c.750_771del on transcript NM_000059.4 (MANE Select); coding-DNA positions 750 to 771, 22 bases deleted (GACAGACAGTGAAAACACAAAT).
Protein change: p.Thr251fs; shifts the reading frame from threonine 251.
Molecular consequence: frameshift variant. On other transcripts: non-coding transcript variant (1).
Genome position (GRCh38, 1-based): chr13:32,330,987-32,331,008, GACAGACAGTGAAAACACAAAT deleted; deleting any 22 consecutive bases within chr13:32,330,986-32,331,008 gives the same sequence; the c. name uses the placement nearest the transcript's 3' end. VCF-style (leftmost placement, unchanged base first): chr13-32330985-GTGACAGACAGTGAAAACACAAA-G. GRCh37 (hg19) VCF-style: chr13-32905122-GTGACAGACAGTGAAAACACAAA-G.
Other names: c.750_771del, p.Thr251fs (NM_001406719.1, NM_001406720.1, NM_001406721.1 and 1 more transcripts); c.381_402del, p.Thr128fs (NM_001406722.1); short protein forms T128fs, T251fs.
Identifiers: ClinVar variation 3366959 (VCV003366959.1).

ClinVar aggregate classification (germline): Likely pathogenic (1 of 4 stars; one submission).

Conditions:
Breast-ovarian cancer, familial, susceptibility to, 2 (BROVCA2). Also called: BRCA2 Hereditary Breast and Ovarian Cancer. Identifiers: Orphanet 145, MedGen C2675520, MONDO:0012933, OMIM 612555. Disease mechanism: loss of function.

Submission:

Institute of Immunology and Genetics Kaiserslautern
Classification: Likely pathogenic for Breast-ovarian cancer, familial, susceptibility to, 2. Last evaluated: 2024-08-05. Review status: criteria provided, single submitter. Criteria: ACMG Guidelines, 2015. Collection method: clinical testing. Allele origin: germline. Affected: yes.
Comment: ACMG Criteria: PM2, PVS1; Variant was found in a heterozygous state